The following is an entry in ClinVar:

ClinVar aggregate classification (germline): Benign/Likely benign. Review status: criteria provided, multiple submitters, no conflicts (2 of 4 stars). 4 submissions from 4 submitters: Benign (1); Likely benign (3). Last evaluated 2026-06-23.

Conditions:
Retinoblastoma (RB1). Also called: RETINOBLASTOMA, SOMATIC. Identifiers: Orphanet 790, MedGen C0035335, MeSH D012175, MONDO:0008380, OMIM 180200, HP:0009919. Disease mechanism: loss of function. Inheritance: Both sporadic and heritable forms are tested..
Hereditary cancer-predisposing syndrome. Also called: Tumor predisposition; Hereditary neoplastic syndrome; Neoplastic Syndromes, Hereditary; Hereditary Cancer Syndrome. Identifiers: Orphanet 140162, MedGen C0027672, MeSH D009386, MONDO:0015356.

Submissions (4):

Myriad Genetics, Inc.
Classification: Benign for Retinoblastoma. Last evaluated: 2026-06-23. Review status: criteria provided, single submitter. Criteria: Myriad Autosomal Dominant, Autosomal Recessive and X-Linked Classification Criteria (2023). Collection method: clinical testing. Allele origin: unknown.
Comment: This variant is considered benign. This variant is a silent/synonymous amino acid change and it is not expected to impact splicing.

Labcorp Genetics (formerly Invitae), Labcorp
Classification: Likely benign for Retinoblastoma. Last evaluated: 2024-02-17. Review status: criteria provided, single submitter. Criteria: Invitae Variant Classification Sherloc (09022015). Collection method: clinical testing. Allele origin: germline.

CeGaT Center for Human Genetics Tuebingen
Classification: Likely benign. Last evaluated: 2022-10-01. Review status: criteria provided, single submitter. Criteria: CeGaT Center For Human Genetics Tuebingen Variant Classification Criteria Version 2. Collection method: clinical testing. Allele origin: germline. Affected: yes. Observed: 1 variant allele.
Comment: RB1: PM2:Supporting, BP4, BP7

Ambry Genetics
Classification: Likely benign for Hereditary cancer-predisposing syndrome. Last evaluated: 2019-01-08. Review status: criteria provided, single submitter. Criteria: Ambry Variant Classification Scheme 2023. Collection method: clinical testing. Allele origin: germline.

NM_000321.3(RB1):c.15C>A (p.Thr5=)

Gene: RB1 (RB transcriptional corepressor 1; plus strand). Cytogenetic location: 13q14.2.
Variant type: single nucleotide variant.
Coding change: c.15C>A on transcript NM_000321.3 (MANE Select); coding-DNA position 15, C replaced by A.
Protein change: p.Thr5=; no amino-acid change (threonine 5 retained).
Molecular consequence: synonymous variant.
Genome position (GRCh38, 1-based): chr13:48,303,927, C>A. VCF-style: chr13-48303927-C-A. GRCh37 (hg19) VCF-style: chr13-48878063-C-A.
Identifiers: ClinVar variation 819610 (VCV000819610.37), dbSNP rs1593411934, ClinGen allele CA483711569.